The following is an entry in ClinVar:

ClinVar aggregate classification (germline): Uncertain significance. Review status: criteria provided, multiple submitters, no conflicts (2 of 4 stars). 6 submissions from 6 submitters: Uncertain significance (6). Last evaluated 2025-08-16.

Conditions:
Hereditary cancer-predisposing syndrome. Also called: Neoplastic Syndromes, Hereditary; Hereditary Cancer Syndrome; Hereditary neoplastic syndrome; Tumor predisposition. Identifiers: Orphanet 140162, MedGen C0027672, MeSH D009386, MONDO:0015356.
Peutz-Jeghers syndrome (PJS). Also called: POLYPOSIS, HAMARTOMATOUS INTESTINAL; POLYPS-AND-SPOTS SYNDROME; Peutz-Jeghers polyposis; Periorificial lentiginosis syndrome. Identifiers: Orphanet 2869, MedGen C0031269, MeSH D010580, MONDO:0008280, OMIM 175200.

Submissions (6):

Labcorp Genetics (formerly Invitae), Labcorp
Classification: Uncertain significance for Peutz-Jeghers syndrome. Last evaluated: 2025-08-16. Review status: criteria provided, single submitter. Criteria: Invitae Variant Classification Sherloc (09022015). Collection method: clinical testing. Allele origin: germline.
Comment: This sequence change replaces glycine, which is neutral and non-polar, with arginine, which is basic and polar, at codon 370 of the STK11 protein (p.Gly370Arg). This variant also falls at the last nucleotide of exon 8, which is part of the consensus splice site for this exon. This variant is not present in population databases (gnomAD no frequency). This missense change has been observed in individual(s) with clinical features of STK11-related conditions (PMID: 35534704). ClinVar contains an entry for this variant (Variation ID: 640313). An algorithm developed to predict the effect of missense changes on protein structure and function (PolyPhen-2) suggests that this variant is likely to be tolerated. Variants that disrupt the consensus splice site are a relatively common cause of aberrant splicing (PMID: 17576681, 9536098). RNA analysis performed to evaluate the impact of this missense change on mRNA splicing indicates it does not significantly alter splicing (internal data). In summary, the available evidence is currently insufficient to determine the role of this variant in disease. Therefore, it has been classified as a Variant of Uncertain Significance.

Molecular Diagnostics Laboratory, Catalan Institute of Oncology
Classification: Uncertain significance for Hereditary cancer-predisposing syndrome. Last evaluated: 2025-06-26. Review status: criteria provided, single submitter. Criteria: ACMG Guidelines, 2015. Collection method: clinical testing. Allele origin: germline.
Comment: PM2_Supporting, PP3 c.1108G>C, located in exon 8 of the STK11 gene, is predicted to result in the substitution of Gly by Arg at codon 370, p.(Gly370Arg). This variant is not present in the population database gnomAD v2.1.1, non cancer dataset (PM2_supporting). The SpliceAI algorithm predicts that the variant generates a novel cryptic splice donor site (deltascore: 0.25), without affecting the natural splice site as no donor loss is predicted (deltascore: 0) (PP3). RNA studies performed by Invitae have demonstrated that this alteration does not significantly alter splicing (Invitae internal data). The REVEL meta-predictor score (0.359) for this variant is indeterminate regarding the effect that it may have on protein function according to Pejaver 2022 thresholds (PMID: 36413997). To our knowledge, neither relevant clinical data nor functional studies have been reported in the literature for this variant. There are no reports of pathogenic missense variants in the same codon. It has only been reported in ClinVar (5x uncertain significance variant) database. Based on currently available information, the variant c.1108G>C should be considered an uncertain significance variant.

Ambry Genetics
Classification: Uncertain significance for Hereditary cancer-predisposing syndrome. Last evaluated: 2024-01-10. Review status: criteria provided, single submitter. Criteria: Ambry Variant Classification Scheme 2023. Collection method: clinical testing. Allele origin: germline.
Comment: The p.G370R variant (also known as c.1108G>C), located in coding exon 8 of the STK11 gene, results from a G to C substitution at nucleotide position 1108. The amino acid change results in glycine to arginine at codon 370, an amino acid with dissimilar properties. This amino acid position is highly conserved in available vertebrate species. In addition, the in silico prediction for this alteration is inconclusive. Since supporting evidence is limited at this time, the clinical significance of this alteration remains unclear.

Quest Diagnostics Nichols Institute San Juan Capistrano
Classification: Uncertain significance. Last evaluated: 2022-10-22. Review status: criteria provided, single submitter. Criteria: Quest Diagnostics criteria. Collection method: clinical testing. Allele origin: unknown.
Comment: The variant has not been reported in the published literature. It also has not been reported in large, multi-ethnic general populations. Analysis of this variant using software algorithms for the prediction of the effect of nucleotide changes on splicing yielded predictions that this variant may affect proper STK11 mRNA splicing . Based on the available information, we are unable to determine the clinical significance of this variant.

Genome-Nilou Lab
Classification: Uncertain significance for Peutz-Jeghers syndrome. Last evaluated: 2021-07-15. Review status: criteria provided, single submitter. Criteria: ACMG Guidelines, 2015. Collection method: clinical testing. Allele origin: germline. Affected: no.

Mendelics
Classification: Uncertain significance for Peutz-Jeghers syndrome. Last evaluated: 2019-05-28. Review status: criteria provided, single submitter. Criteria: Mendelics Assertion Criteria 2017. Collection method: clinical testing. Allele origin: unknown.

Literature cited by the submitters: PubMed 35534704 (cited by Labcorp Genetics (formerly Invitae), Labcorp); PubMed 17576681 (cited by Labcorp Genetics (formerly Invitae), Labcorp); PubMed 9536098 (cited by Labcorp Genetics (formerly Invitae), Labcorp).

NM_000455.5(STK11):c.1108G>C (p.Gly370Arg)

Genes: STK11 (serine/threonine kinase 11; plus strand), LOC130062899 (ATAC-STARR-seq lymphoblastoid active region 13597; plus strand). Cytogenetic location: 19p13.3.
Variant type: single nucleotide variant.
Coding change: c.1108G>C on transcript NM_000455.5 (MANE Select); coding-DNA position 1108, G replaced by C.
Protein change: p.Gly370Arg; replaces glycine 370 with arginine.
Molecular consequence: missense variant.
Genome position (GRCh38, 1-based): chr19:1,223,172, G>C. VCF-style: chr19-1223172-G-C. GRCh37 (hg19) VCF-style: chr19-1223171-G-C.
Other names: short protein forms G370R.
Identifiers: ClinVar variation 640313 (VCV000640313.18), dbSNP rs747655835, ClinGen allele CA402951996.